The following is an entry in ClinVar:

NM_000210.4(ITGA6):c.*2309C>T

Genes: ITGA6 (integrin subunit alpha 6; plus strand), PDK1-AS1 (PDK1 and ITGA6 antisense RNA 1; minus strand). Cytogenetic location: 2q31.1.
Variant type: single nucleotide variant.
Coding change: c.*2309C>T on transcript NM_000210.4 (MANE Select); 2309 bases downstream of the stop codon, C replaced by T.
Molecular consequence: 3 prime UTR variant.
Genome position (GRCh38, 1-based): chr2:172,506,377, C>T. VCF-style: chr2-172506377-C-T. GRCh37 (hg19) VCF-style: chr2-173371105-C-T.
Other names: c.*2125C>T (NM_001079818.3, NM_001365529.2); c.*2309C>T (NM_001316306.2, NM_001365530.2).
Identifiers: ClinVar variation 892652 (VCV000892652.4), dbSNP rs140413358, ClinGen allele CA60697754.
Genomic context (GRCh38, chr2:172,506,377, plus strand): 5'-CTCAGATCAGCCAAAGATACTAGTGCCAAAGCAATGGGATTCGGGGTTTTTTTCTGTTTT[C>T]GCTCTATGTAGGTGATCCTCAAGTCTTTCATTTTCCTTCTTTATGATTAAAAGAAACCTA-3'

ClinVar aggregate classification (germline): Benign (1 of 4 stars; one submission).

Conditions:
Junctional epidermolysis bullosa with pyloric atresia. Also called: APLASIA CUTIS CONGENITA WITH GASTROINTESTINAL ATRESIA; CARMI SYNDROME; EB-PA-ACC; EPIDERMOLYSIS BULLOSA, JUNCTIONAL 5B, WITH PYLORIC ATRESIA; ITGB4-Related Epidermolysis Bullosa with Pyloric Atresia; ITGA6-Related Epidermolysis Bullosa with Pyloric Atresia. Identifiers: Orphanet 79403, MedGen C5676875, MONDO:0009183, OMIM 226730.

Allele frequency attached by ClinVar (database versions not stated): gnomAD 0.00766 and 0.00826; 1000 Genomes Project 30x 0.00812; 1000 Genomes Project 0.00739; TOPMed 0.00883.

Submission:

Illumina Laboratory Services, Illumina
Classification: Benign for Junctional epidermolysis bullosa with pyloric atresia. Last evaluated: 2018-01-13. Review status: criteria provided, single submitter. Criteria: ICSL Variant Classification Criteria 13 December 2019. Collection method: clinical testing. Allele origin: germline.
Comment: This variant was observed in the ICSL laboratory as part of a predisposition screen in an ostensibly healthy population. It had not been previously curated by ICSL or reported in the Human Gene Mutation Database (HGMD: prior to June 1st, 2018), and was therefore a candidate for classification through an automated scoring system. Utilizing variant allele frequency, disease prevalence and penetrance estimates, and inheritance mode, an automated score was calculated to assess if this variant is too frequent to cause the disease. Based on the score and internal cut-off values, a variant classified as benign is not then subjected to further curation. The score for this variant resulted in a classification of benign for this disease.